The following is an entry in ClinVar:

ClinVar aggregate classification (germline): Pathogenic (1 of 4 stars; one submission).

Submission:

GeneDx
Classification: Pathogenic. Last evaluated: 2018-07-12. Review status: criteria provided, single submitter. Criteria: GeneDx Variant Classification (06012015). Collection method: clinical testing. Allele origin: germline. Affected: yes.
Comment: The c.2982-1G>C variant in the KDM5C gene has not been reported previously as a pathogenic variant nor as a benign variant, to our knowledge. This splice site variant destroys the canonical splice acceptor site in intron 19. It is predicted to cause abnormal gene splicing, either leading to an abnormal message that is subject to nonsense-mediated mRNA decay, or to an abnormal protein product if the message is used for protein translation. The c.2982-1G>C variant is not observed in large population cohorts (Lek et al., 2016; 1000 Genomes Consortium et al., 2015; Exome Variant Server). We interpret c.2982-1G>C as a pathogenic variant

NM_004187.5(KDM5C):c.2982-1G>C

Gene: KDM5C (lysine demethylase 5C; minus strand). Cytogenetic location: Xp11.22.
Variant type: single nucleotide variant.
Coding change: c.2982-1G>C on transcript NM_004187.5 (MANE Select); the canonical splice acceptor site of the intron before coding-DNA position 2982, G replaced by C.
Molecular consequence: splice acceptor variant.
Genome position (GRCh38, 1-based): chrX:53,196,055, C>G on the plus strand (G>C on the coding strand, the complement: KDM5C is on the minus strand). VCF-style: chrX-53196055-C-G. GRCh37 (hg19) VCF-style: chrX-53225237-C-G.
Other names: c.2979-1G>C (NM_001353982.2, NM_001353979.2, NM_001282622.3); c.2982-1G>C (NM_001353981.2, NM_001353984.2, NM_001353978.3); c.2781-1G>C (NM_001146702.2).
Identifiers: ClinVar variation 450907 (VCV000450907.2), dbSNP rs1556836552, ClinGen allele CA413111932.